The following is an entry in ClinVar:

ClinVar aggregate classification (germline): Pathogenic/Likely pathogenic. Review status: criteria provided, multiple submitters, no conflicts (2 of 4 stars). 2 submissions from 2 submitters: Pathogenic (1); Likely pathogenic (1). Last evaluated 2021-09-06.

Conditions:
Von Hippel-Lindau syndrome (VHLS). Also called: VHL syndrome; Von Hippel-Lindau; von Hippel–Lindau syndrome. Identifiers: Orphanet 892, MedGen C0019562, MONDO:0008667, OMIM 193300. Disease mechanism: loss of function.

Submissions (2):

Genetics and Molecular Pathology, SA Pathology
Classification: Pathogenic for Von Hippel-Lindau syndrome. Last evaluated: 2021-09-06. Review status: criteria provided, single submitter. Criteria: ACMG Guidelines, 2015. Collection method: clinical testing. Allele origin: germline. Affected: yes.

Women's Health and Genetics/Laboratory Corporation of America, LabCorp
Classification: Likely pathogenic for Von Hippel-Lindau syndrome. Last evaluated: 2017-08-07. Review status: criteria provided, single submitter. Criteria: LabCorp Variant Classification Summary - May 2015. Collection method: clinical testing. Allele origin: germline.
Comment: Variant summary: The VHL c.189dupG (p.Arg64Alafs) variant results in a premature termination codon, predicted to cause a truncated or absent VHL protein due to nonsense mediated decay, which are commonly known mechanisms for disease. One in silico tool predicts a damaging outcome for this variant. This variant is absent in 217070 control chromosomes in genomAD. The variant of interest has not, to our knowledge, been reported in affected individuals via publications and/or reputable databases/clinical diagnostic laboratories; nor evaluated for functional impact by in vivo/vitro studies. Taken together, this variant is classified as likely pathogenic.

NM_000551.4(VHL):c.189dup (p.Arg64fs)

Gene: VHL (von Hippel-Lindau tumor suppressor; plus strand). Cytogenetic location: 3p25.3.
Variant type: Duplication.
Coding change: c.189dup on transcript NM_000551.4 (MANE Select); coding-DNA position 189, one base duplicated (G; older notation c.189dupG).
Protein change: p.Arg64fs; shifts the reading frame from arginine 64.
Molecular consequence: frameshift variant.
Genome position (GRCh38, 1-based): chr3:10,142,036, G duplicated. VCF-style (leftmost placement, unchanged base first): chr3-10142035-T-TG. GRCh37 (hg19) VCF-style: chr3-10183719-T-TG.
Other names: c.189dupG (NM_000551.4, NM_000551.3); c.189dup, p.Arg64fs (NM_001354723.2, NM_198156.3); short protein forms R64fs.
Identifiers: ClinVar variation 496050 (VCV000496050.4), dbSNP rs1553619402, ClinGen allele CA658683297.